The following is an entry in ClinVar:

NM_006147.4(IRF6):c.1156G>T (p.Glu386Ter)

Gene: IRF6 (interferon regulatory factor 6; minus strand). Cytogenetic location: 1q32.2.
Variant type: single nucleotide variant.
Coding change: c.1156G>T on transcript NM_006147.4 (MANE Select); coding-DNA position 1156, G replaced by T.
Protein change: p.Glu386Ter; replaces glutamic acid 386 with a stop codon.
Molecular consequence: nonsense.
Genome position (GRCh38, 1-based): chr1:209,789,690, C>A on the plus strand (G>T on the coding strand, the complement: IRF6 is on the minus strand). VCF-style: chr1-209789690-C-A. GRCh37 (hg19) VCF-style: chr1-209963035-C-A.
Other names: c.871G>T, p.Glu291Ter (NM_001206696.2); short protein forms E291*, E386*.
Identifiers: ClinVar variation 4991906 (VCV004991906.1).

ClinVar aggregate classification (germline): Likely pathogenic (1 of 4 stars; one submission).

Conditions:
IRF6-related condition. Also called: IRF6-Related Disorders; IRF6-related disorder. Identifiers: MedGen CN378148, MONDO:1040010.

Submission:

PreventionGenetics, part of Exact Sciences
Classification: Likely pathogenic for IRF6-related condition. Last evaluated: 2026-04-29. Review status: criteria provided, single submitter. Criteria: ACMG Guidelines, 2015. Collection method: clinical testing. Allele origin: germline.
Comment: The IRF6 c.1156G>T variant is predicted to result in premature protein termination (p.Glu386*). To our knowledge, this variant has not been reported in the literature or in a large population database (gnomAD), indicating this variant is rare. Nonsense variants in IRF6 are expected to be pathogenic. This variant is interpreted as likely pathogenic.